The following is an entry in ClinVar:

NM_206933.4(USH2A):c.13564C>T (p.Leu4522Phe)

Gene: USH2A (usherin; minus strand). Cytogenetic location: 1q41.
Variant type: single nucleotide variant.
Coding change: c.13564C>T on transcript NM_206933.4 (MANE Select); coding-DNA position 13564, C replaced by T.
Protein change: p.Leu4522Phe; replaces leucine 4522 with phenylalanine.
Molecular consequence: missense variant.
Genome position (GRCh38, 1-based): chr1:215,674,347, G>A on the plus strand (C>T on the coding strand, the complement: USH2A is on the minus strand). VCF-style: chr1-215674347-G-A. GRCh37 (hg19) VCF-style: chr1-215847689-G-A.
Other names: short protein forms L4522F.
Identifiers: ClinVar variation 3250408 (VCV003250408.1), dbSNP rs1657923690.
Genomic context (GRCh38, chr1:215,674,347, plus strand): 5'-CCTGCAATTTTGGAGGTTCCATCCCTGAGGGTGCTGAGGGGCTGGTTCGATCTTTGACAA[G>A]AGGACTCAAAATACCCCCTTGGCTGTTGCTGGCAGTTACTGTGTAGCTATACTCCACACC-3'
Protein context (NP_996816.3, residues 4512-4532): SNSQGGILSP[Leu4522Phe]VKDRTSPSAP

ClinVar aggregate classification (germline): Likely pathogenic (1 of 4 stars; one submission).

Conditions:
Usher syndrome type 2A. Also called: RETINAL DISEASE IN USHER SYNDROME TYPE IIA, MODIFIER OF; USHER SYNDROME, TYPE IIA. Identifiers: Orphanet 231178, Orphanet 886, MedGen C1848634, MONDO:0010169, OMIM 276901.

Allele frequency attached by ClinVar (database versions not stated): gnomAD exomes below 0.00001; TOPMed below 0.00001.
gnomAD v4.1: 2 of 1,613,902 alleles (0.00012%); highest among the groups gnomAD compares: East Asian, 0.0022%; no homozygotes.

Submission:

Laboratory of Prof. Karen Avraham, Tel Aviv University
Classification: Likely pathogenic for Usher syndrome type 2A. Last evaluated: 2024-06-10. Review status: criteria provided, single submitter. Criteria: ACMG Guidelines, 2015. Collection method: research. Allele origin: germline. Affected: yes. Observed: 1 variant allele.
Comment: Homozigosity of a very rare variant in a known deafness gene predicted deleterious by many prediction programs

USH2A; high-tone HL